The following is an entry in ClinVar:

NM_000748.3(CHRNB2):c.146C>T (p.Ala49Val)

Gene: CHRNB2 (cholinergic receptor nicotinic beta 2 subunit; plus strand). Cytogenetic location: 1q21.3.
Variant type: single nucleotide variant.
Coding change: c.146C>T on transcript NM_000748.3 (MANE Select); coding-DNA position 146, C replaced by T.
Protein change: p.Ala49Val; replaces alanine 49 with valine.
Molecular consequence: missense variant.
Genome position (GRCh38, 1-based): chr1:154,569,543, C>T. VCF-style: chr1-154569543-C-T. GRCh37 (hg19) VCF-style: chr1-154542019-C-T.
Other names: short protein forms A49V.
Identifiers: ClinVar variation 2820612 (VCV002820612.3), dbSNP rs2526363205, ClinGen allele CA342629336.

ClinVar aggregate classification (germline): Uncertain significance (1 of 4 stars; one submission).

Conditions:
Familial sleep-related hypermotor epilepsy. Also called: Autosomal Dominant Sleep-Related Hypermotor (Hyperkinetic) Epilepsy. Identifiers: Orphanet 98784, MedGen C3696898, MONDO:0000030.

Allele frequency attached by ClinVar (database versions not stated): gnomAD exomes below 0.00001.

Submission:

Labcorp Genetics (formerly Invitae), Labcorp
Classification: Uncertain significance. Last evaluated: 2022-12-13. Review status: criteria provided, single submitter. Criteria: Invitae Variant Classification Sherloc (09022015). Collection method: clinical testing. Allele origin: germline.
Comment: Advanced modeling of protein sequence and biophysical properties (such as structural, functional, and spatial information, amino acid conservation, physicochemical variation, residue mobility, and thermodynamic stability) performed at Invitae indicates that this missense variant is not expected to disrupt CHRNB2 protein function. In summary, the available evidence is currently insufficient to determine the role of this variant in disease. Therefore, it has been classified as a Variant of Uncertain Significance. This variant has not been reported in the literature in individuals affected with CHRNB2-related conditions. This variant is not present in population databases (gnomAD no frequency). This sequence change replaces alanine, which is neutral and non-polar, with valine, which is neutral and non-polar, at codon 49 of the CHRNB2 protein (p.Ala49Val).